The following is an entry in ClinVar:

NM_001283009.2(RTEL1):c.2933A>G (p.Tyr978Cys)

Genes: RTEL1 (regulator of telomere elongation helicase 1; plus strand), RTEL1-TNFRSF6B (RTEL1-TNFRSF6B readthrough (NMD candidate); plus strand). Cytogenetic location: 20q13.33.
Variant type: single nucleotide variant.
Coding change: c.2933A>G on transcript NM_001283009.2 (MANE Select); coding-DNA position 2933, A replaced by G.
Protein change: p.Tyr978Cys; replaces tyrosine 978 with cysteine.
Molecular consequence: missense variant. On other transcripts: non-coding transcript variant (1).
Genome position (GRCh38, 1-based): chr20:63,693,224, A>G. VCF-style: chr20-63693224-A-G. GRCh37 (hg19) VCF-style: chr20-62324577-A-G.
Other names: p.Tyr1002Cys; c.2264A>G, p.Tyr755Cys (NM_001283010.1); c.2933A>G, p.Tyr978Cys (NM_016434.4); c.3005A>G, p.Tyr1002Cys (NM_032957.5); c.3005A>G (NM_032957.4); short protein forms Y978C, Y755C, Y1002C.
Identifiers: ClinVar variation 1387000 (VCV001387000.14), dbSNP rs750109305, ClinGen allele CA9965661.

ClinVar aggregate classification (germline): Uncertain significance. Review status: criteria provided, multiple submitters, no conflicts (2 of 4 stars). 4 submissions from 4 submitters: Uncertain significance (4). Last evaluated 2026-01-22.

Conditions:
RTEL1-related disorder. Also called: RTEL1-related condition; RTEL1-related disorders.
Pulmonary fibrosis and/or bone marrow failure, Telomere-related, 3. Also called: PULMONARY FIBROSIS AND/OR BONE MARROW FAILURE SYNDROME, TELOMERE-RELATED, 3. Identifiers: Orphanet 2032, MedGen C4225346, MONDO:0014613, OMIM 616373.
Dyskeratosis congenita, autosomal recessive 5 (DKCB5). Identifiers: MedGen C3554656, MONDO:0014076, OMIM 615190.

Allele frequency attached by ClinVar (database versions not stated): TOPMed below 0.00001.
gnomAD v4.1: 7 of 1,612,108 alleles (0.00043%); highest among the groups gnomAD compares: East Asian, 0.0022%; no homozygotes.

Submissions (4):

Labcorp Genetics (formerly Invitae), Labcorp
Classification: Uncertain significance for Dyskeratosis congenita, autosomal recessive 5; Pulmonary fibrosis and/or bone marrow failure, Telomere-related, 3. Last evaluated: 2026-01-22. Review status: criteria provided, single submitter. Criteria: Invitae Variant Classification Sherloc (09022015). Collection method: clinical testing. Allele origin: germline.
Comment: This sequence change replaces tyrosine, which is neutral and polar, with cysteine, which is neutral and slightly polar, at codon 978 of the RTEL1 protein (p.Tyr978Cys). This variant is present in population databases (rs750109305, gnomAD 0.006%). This variant has not been reported in the literature in individuals affected with RTEL1-related conditions. ClinVar contains an entry for this variant (Variation ID: 1387000). An algorithm developed to predict the effect of missense changes on protein structure and function outputs the following: PolyPhen-2: "Benign". The cysteine amino acid residue is found in multiple mammalian species, which suggests that this missense change does not adversely affect protein function. In summary, the available evidence is currently insufficient to determine the role of this variant in disease. Therefore, it has been classified as a Variant of Uncertain Significance.

PreventionGenetics, part of Exact Sciences
Classification: Uncertain significance for RTEL1-related condition. Last evaluated: 2024-12-27. Review status: criteria provided, single submitter. Criteria: ACMG Guidelines, 2015. Collection method: clinical testing. Allele origin: germline.
Comment: The RTEL1 c.3005A>G variant is predicted to result in the amino acid substitution p.Tyr1002Cys. To our knowledge, this variant has not been reported in the literature. This variant is reported in 0.0054% of alleles in individuals of East Asian descent in gnomAD. At this time, the clinical significance of this variant is uncertain due to the absence of conclusive functional and genetic evidence.

Mayo Clinic Laboratories, Mayo Clinic
Classification: Uncertain significance. Last evaluated: 2024-08-29. Review status: criteria provided, single submitter. Criteria: ACMG Guidelines, 2015. Collection method: clinical testing. Allele origin: germline. Observed: 1 variant allele.
Comment: BP4, PM2

Blueprint Genetics
Classification: Uncertain significance. Last evaluated: 2021-09-21. Review status: criteria provided, single submitter. Criteria: ACMG Guidelines, 2015. Collection method: clinical testing. Allele origin: germline.